The following is an entry in ClinVar:

ClinVar aggregate classification (germline): Uncertain significance. Review status: criteria provided, multiple submitters, no conflicts (2 of 4 stars). 2 submissions from 2 submitters: Uncertain significance (2). Last evaluated 2023-01-01.

Allele frequency attached by ClinVar (database versions not stated): ExAC 0.00003; gnomAD 0.00003; TOPMed 0.00003; gnomAD exomes 0.00004 and 0.00005.

Submissions (2):

CeGaT Center for Human Genetics Tuebingen
Classification: Uncertain significance. Last evaluated: 2023-01-01. Review status: criteria provided, single submitter. Criteria: CeGaT Center For Human Genetics Tuebingen Variant Classification Criteria Version 2. Collection method: clinical testing. Allele origin: germline. Affected: yes. Observed: 1 variant allele.

GeneDx
Classification: Uncertain significance. Last evaluated: 2019-04-26. Review status: criteria provided, single submitter. Criteria: GeneDx Variant Classification Process June 2021. Collection method: clinical testing. Allele origin: germline. Affected: yes.
Comment: Has not been previously published as pathogenic or benign to our knowledge

NM_003466.4(PAX8):c.701A>G (p.Glu234Gly)

Genes: PAX8 (paired box 8; minus strand), PAX8-AS1 (PAX8 antisense RNA 1; plus strand), LOC126806316 (P300/CBP strongly-dependent group 1 enhancer GRCh37_chr2:113998497-113999696; plus strand). Cytogenetic location: 2q14.1.
Variant type: single nucleotide variant.
Coding change: c.701A>G on transcript NM_003466.4 (MANE Select); coding-DNA position 701, A replaced by G.
Protein change: p.Glu234Gly; replaces glutamic acid 234 with glycine.
Molecular consequence: missense variant.
Genome position (GRCh38, 1-based): chr2:113,241,627, T>C on the plus strand (A>G on the coding strand, the complement: PAX8 is on the minus strand). VCF-style: chr2-113241627-T-C. GRCh37 (hg19) VCF-style: chr2-113999204-T-C.
Other names: c.701A>G, p.Glu234Gly (NM_013952.4, NM_013953.4, NM_013992.4); short protein forms E234G.
Identifiers: ClinVar variation 1209482 (VCV001209482.27), dbSNP rs768889514, ClinGen allele CA1840123.